The following is an entry in ClinVar:

ClinVar aggregate classification (germline): Likely benign (1 of 4 stars; one submission).

gnomAD v4.1: 19 of 1,366,182 alleles (0.0014%); highest among the groups gnomAD compares: East Asian, 0.0069%; 3 homozygotes.

Submission:

CeGaT Center for Human Genetics Tuebingen
Classification: Likely benign. Last evaluated: 2025-10-01. Review status: criteria provided, single submitter. Criteria: CeGaT Center For Human Genetics Tuebingen Variant Classification Criteria Version 2. Collection method: clinical testing. Allele origin: germline. Affected: yes. Observed: 1 variant allele.
Comment: AHNAK2: BP4, BS2

NM_138420.4(AHNAK2):c.9625G>A (p.Val3209Met)

Gene: AHNAK2 (AHNAK nucleoprotein 2; minus strand). Cytogenetic location: 14q32.33.
Variant type: single nucleotide variant.
Coding change: c.9625G>A on transcript NM_138420.4 (MANE Select); coding-DNA position 9625, G replaced by A.
Protein change: p.Val3209Met; replaces valine 3209 with methionine.
Molecular consequence: missense variant.
Genome position (GRCh38, 1-based): chr14:104,945,826, C>T on the plus strand (G>A on the coding strand, the complement: AHNAK2 is on the minus strand). VCF-style: chr14-104945826-C-T. GRCh37 (hg19) VCF-style: chr14-105412163-C-T.
Other names: c.9325G>A, p.Val3109Met (NM_001350929.2); short protein forms V3109M, V3209M.
Identifiers: ClinVar variation 4534218 (VCV004534218.6).